The following is an entry in ClinVar:

NM_000051.4(ATM):c.8110T>G (p.Cys2704Gly)

Genes: C11orf65 (chromosome 11 open reading frame 65; minus strand), ATM (ATM serine/threonine kinase; plus strand). Cytogenetic location: 11q22.3.
Variant type: single nucleotide variant.
Coding change: c.8110T>G on transcript NM_000051.4 (MANE Select); coding-DNA position 8110, T replaced by G.
Protein change: p.Cys2704Gly; replaces cysteine 2704 with glycine.
Molecular consequence: missense variant. On other transcripts: intron variant (2).
Genome position (GRCh38, 1-based): chr11:108,335,068, T>G. VCF-style: chr11-108335068-T-G. GRCh37 (hg19) VCF-style: chr11-108205795-T-G.
Other names: c.8110T>G, p.Cys2704Gly (NM_001351834.2); c.641-25997A>C (NM_001330368.2); c.*38+152A>C (NM_001351110.2); short protein forms C2704G.
Identifiers: ClinVar variation 1762049 (VCV001762049.2), dbSNP rs1591192055, ClinGen allele CA382562132.
Genomic context (GRCh38, chr11:108,335,068, plus strand): 5'-CAGTCATTTAAAGCAGAATTTCGCTTAGCAGGAGGTGTAAATTTACCAAAAATAATAGAT[T>G]GTGTAGGTTCCGATGGCAAGGAGAGGAGACAGCTTGTTAAGGTGAGCCTTCCCTTCTCTG-3'
Protein context (NP_000042.3, residues 2694-2714): GGVNLPKIID[Cys2704Gly]VGSDGKERRQ

ClinVar aggregate classification (germline): Uncertain significance (1 of 4 stars; one submission).

Conditions:
Hereditary cancer-predisposing syndrome. Also called: Hereditary neoplastic syndrome; Neoplastic Syndromes, Hereditary; Tumor predisposition; Hereditary Cancer Syndrome. Identifiers: Orphanet 140162, MedGen C0027672, MeSH D009386, MONDO:0015356.

Submission:

Ambry Genetics
Classification: Uncertain significance for Hereditary cancer-predisposing syndrome. Last evaluated: 2021-10-01. Review status: criteria provided, single submitter. Criteria: Ambry Variant Classification Scheme 2023. Collection method: clinical testing. Allele origin: germline.
Comment: The p.C2704G variant (also known as c.8110T>G), located in coding exon 54 of the ATM gene, results from a T to G substitution at nucleotide position 8110. The cysteine at codon 2704 is replaced by glycine, an amino acid with highly dissimilar properties. This alteration has been reported in a homozygous state in a patient with a clinical diagnosis of ataxia-telangiectasia (Chen Z et al. PLoS ONE. 2015 Oct;10:e0139738). This amino acid position is highly conserved in available vertebrate species. In addition, this alteration is predicted to be deleterious by in silico analysis. Since supporting evidence is limited at this time, the clinical significance of this alteration remains unclear.

Literature cited by the submitters: PubMed 26439923; PubMed 28508083.